The following is an entry in ClinVar:

NM_006939.4(SOS2):c.322G>A (p.Asp108Asn)

Gene: SOS2 (SOS Ras/Rho guanine nucleotide exchange factor 2; minus strand). Cytogenetic location: 14q21.3.
Variant type: single nucleotide variant.
Coding change: c.322G>A on transcript NM_006939.4 (MANE Select); coding-DNA position 322, G replaced by A.
Protein change: p.Asp108Asn; replaces aspartic acid 108 with asparagine.
Molecular consequence: missense variant.
Genome position (GRCh38, 1-based): chr14:50,200,976, C>T on the plus strand (G>A on the coding strand, the complement: SOS2 is on the minus strand). VCF-style: chr14-50200976-C-T. GRCh37 (hg19) VCF-style: chr14-50667694-C-T.
Other names: c.322G>A (NM_006939.3); short protein forms D108N.
Identifiers: ClinVar variation 561707 (VCV000561707.2), dbSNP rs1566477432, ClinGen allele CA389649875.

ClinVar aggregate classification (germline): Uncertain significance. Review status: criteria provided, multiple submitters, no conflicts (2 of 4 stars). 2 submissions from 2 submitters: Uncertain significance (2). Last evaluated 2022-08-18.

Conditions:
SOS2-related disorder. Also called: SOS2-related condition.

Submissions (2):

PreventionGenetics, part of Exact Sciences
Classification: Uncertain significance for SOS2-related condition. Last evaluated: 2022-08-18. Review status: criteria provided, single submitter. Criteria: ACMG Guidelines, 2015. Collection method: clinical testing. Allele origin: germline.
Comment: The SOS2 c.322G>A variant is predicted to result in the amino acid substitution p.Asp108Asn. To our knowledge, this variant has not been reported in the literature or in a large population database, indicating this variant is rare. At this time, the clinical significance of this variant is uncertain due to the absence of conclusive functional and genetic evidence.

GeneDx
Classification: Uncertain significance. Last evaluated: 2017-12-14. Review status: criteria provided, single submitter. Criteria: GeneDx Variant Classification (06012015). Collection method: clinical testing. Allele origin: germline. Affected: yes.
Comment: The D108N variant has not been published as a pathogenic variant, nor has it been reported as a benign variant to our knowledge. This variant is not observed in large population cohorts (Lek et al., 2016). The D108N variant is a semi-conservative amino acid substitution, which may impact secondary protein structure as these residues differ in some properties. In-silico analyses, including protein predictors and evolutionary conservation, support a deleterious effect. Based on the currently available information, it is unclear whether this variant is a pathogenic variant or a rare benign variant. We consider it to be a variant of uncertain significance.